The following is an entry in ClinVar:

NM_018060.4(IARS2):c.390+10A>G

Gene: IARS2 (isoleucyl-tRNA synthetase 2, mitochondrial; plus strand). Cytogenetic location: 1q41.
Variant type: single nucleotide variant.
Coding change: c.390+10A>G on transcript NM_018060.4 (MANE Select); 10 bases into the intron after coding-DNA position 390, A replaced by G.
Molecular consequence: intron variant.
Genome position (GRCh38, 1-based): chr1:220,096,236, A>G. VCF-style: chr1-220096236-A-G. GRCh37 (hg19) VCF-style: chr1-220269578-A-G.
Other names: p.?.
Identifiers: ClinVar variation 386616 (VCV000386616.15), dbSNP rs201829262, ClinGen allele CA1401094.

ClinVar aggregate classification (germline): Benign/Likely benign. Review status: criteria provided, multiple submitters, no conflicts (2 of 4 stars). 6 submissions from 6 submitters: Benign (2); Likely benign (4). Last evaluated 2026-05-12.

Conditions:
IARS2-related disorder. Also called: IARS2-related condition.

Allele frequency attached by ClinVar (database versions not stated): 1000 Genomes Project 0.00060; 1000 Genomes Project 30x 0.00062; gnomAD exomes 0.00091 and 0.00147; gnomAD 0.00096 and 0.00101; TOPMed 0.00121; ESP Exome Variant Server 0.00123; ExAC 0.00180.
gnomAD v4.1: 1,509 of 1,548,068 alleles (0.097%); highest among the groups gnomAD compares: Middle Eastern, 0.83%; 10 homozygotes.

Submissions (6):

PreventionGenetics, part of Exact Sciences
Classification: Likely benign for IARS2-related condition. Last evaluated: 2026-05-12. Review status: criteria provided, single submitter. Criteria: ACMG Guidelines, 2015. Collection method: clinical testing. Allele origin: germline.
Comment: This variant is classified as likely benign based on ACMG/AMP sequence variant interpretation guidelines (Richards et al. 2015 PMID: 25741868, with internal and published modifications).

Labcorp Genetics (formerly Invitae), Labcorp
Classification: Benign. Last evaluated: 2026-02-01. Review status: criteria provided, single submitter. Criteria: Invitae Variant Classification Sherloc (09022015). Collection method: clinical testing. Allele origin: germline.

Blueprint Genetics
Classification: Likely benign. Last evaluated: 2024-11-06. Review status: criteria provided, single submitter. Criteria: ACMG Guidelines, 2015. Collection method: clinical testing. Allele origin: germline.

Mayo Clinic Laboratories, Mayo Clinic
Classification: Benign. Last evaluated: 2023-05-04. Review status: criteria provided, single submitter. Criteria: ACMG Guidelines, 2015. Collection method: clinical testing. Allele origin: germline. Observed: 5 variant alleles.
Comment: BS1, BS2, BP4

GeneDx
Classification: Likely benign. Last evaluated: 2018-01-23. Review status: criteria provided, single submitter. Criteria: GeneDx Variant Classification (06012015). Collection method: clinical testing. Allele origin: germline. Affected: yes.
Comment: This variant is considered likely benign or benign based on one or more of the following criteria: it is a conservative change, it occurs at a poorly conserved position in the protein, it is predicted to be benign by multiple in silico algorithms, and/or has population frequency not consistent with disease.

Breakthrough Genomics
Classification: Likely benign. Review status: criteria provided, single submitter. Criteria: ACMG Guidelines, 2015. Collection method: not provided. Allele origin: germline. Inheritance: Autosomal recessive inheritance. Affected: yes.